The following is an entry in ClinVar:

ClinVar aggregate classification (germline): Uncertain significance. Review status: criteria provided, multiple submitters, no conflicts (2 of 4 stars). 4 submissions from 4 submitters: Uncertain significance (4). Last evaluated 2024-12-05.

Conditions:
Cardiovascular phenotype. Identifiers: MedGen CN230736.
Hereditary cancer-predisposing syndrome. Also called: Neoplastic Syndromes, Hereditary; Tumor predisposition; Hereditary neoplastic syndrome; Hereditary Cancer Syndrome. Identifiers: Orphanet 140162, MedGen C0027672, MeSH D009386, MONDO:0015356.
Neurofibromatosis, type 1 (NF1). Also called: VON RECKLINGHAUSEN DISEASE; NEUROFIBROMATOSIS, TYPE I, SOMATIC; Peripheral type neurofibromatosis; Neurofibromatosis, type I. Identifiers: Orphanet 636, MedGen C0027831, MONDO:0018975, OMIM 162200. Disease mechanism: loss of function.

Allele frequency attached by ClinVar (database versions not stated): TOPMed below 0.00001; gnomAD 0.00001.
gnomAD v4.1: 1 of 1,611,894 alleles (0.000062%); highest among the groups gnomAD compares: African/African-American, 0.0013%; no homozygotes.

Submissions (4):

Ambry Genetics
Classification: Uncertain significance for Cardiovascular phenotype; Hereditary cancer-predisposing syndrome. Last evaluated: 2024-12-05. Review status: criteria provided, single submitter. Criteria: Ambry Variant Classification Scheme 2023. Collection method: clinical testing. Allele origin: germline.
Comment: The p.Y2464C variant (also known as c.7391A>G), located in coding exon 49 of the NF1 gene, results from an A to G substitution at nucleotide position 7391. The tyrosine at codon 2464 is replaced by cysteine, an amino acid with highly dissimilar properties. This amino acid position is not well conserved in available vertebrate species. In addition, this alteration is predicted to be tolerated by in silico analysis. Based on the available evidence, the clinical significance of this variant remains unclear.

GeneDx
Classification: Uncertain significance. Last evaluated: 2024-10-16. Review status: criteria provided, single submitter. Criteria: GeneDx Variant Classification Process June 2021. Collection method: clinical testing. Allele origin: germline. Affected: yes.
Comment: Not observed at significant frequency in large population cohorts (gnomAD); In silico analysis indicates that this missense variant does not alter protein structure/function; Has not been previously published as pathogenic or benign to our knowledge; This variant is associated with the following publications: (PMID: 25486365)

Labcorp Genetics (formerly Invitae), Labcorp
Classification: Uncertain significance for Neurofibromatosis, type 1. Last evaluated: 2024-08-15. Review status: criteria provided, single submitter. Criteria: Invitae Variant Classification Sherloc (09022015). Collection method: clinical testing. Allele origin: germline.
Comment: This sequence change replaces tyrosine, which is neutral and polar, with cysteine, which is neutral and slightly polar, at codon 2464 of the NF1 protein (p.Tyr2464Cys). This variant is not present in population databases (gnomAD no frequency). This variant has not been reported in the literature in individuals affected with NF1-related conditions. ClinVar contains an entry for this variant (Variation ID: 527418). Invitae Evidence Modeling of protein sequence and biophysical properties (such as structural, functional, and spatial information, amino acid conservation, physicochemical variation, residue mobility, and thermodynamic stability) indicates that this missense variant is not expected to disrupt NF1 protein function with a negative predictive value of 95%. In summary, the available evidence is currently insufficient to determine the role of this variant in disease. Therefore, it has been classified as a Variant of Uncertain Significance.

Genome-Nilou Lab
Classification: Uncertain significance for Neurofibromatosis, type 1. Last evaluated: 2022-03-15. Review status: criteria provided, single submitter. Criteria: ACMG Guidelines, 2015. Collection method: clinical testing. Allele origin: germline. Affected: no.

NM_001042492.3(NF1):c.7454A>G (p.Tyr2485Cys)

Gene: NF1 (neurofibromin 1; plus strand). Cytogenetic location: 17q11.2.
Variant type: single nucleotide variant.
Coding change: c.7454A>G on transcript NM_001042492.3 (MANE Select); coding-DNA position 7454, A replaced by G.
Protein change: p.Tyr2485Cys; replaces tyrosine 2485 with cysteine.
Molecular consequence: missense variant.
Genome position (GRCh38, 1-based): chr17:31,350,315, A>G. VCF-style: chr17-31350315-A-G. GRCh37 (hg19) VCF-style: chr17-29677333-A-G.
Other names: c.7391A>G, p.Tyr2464Cys (NM_000267.4); short protein forms Y2464C, Y2485C.
Identifiers: ClinVar variation 527418 (VCV000527418.15), dbSNP rs1022605462, ClinGen allele CA289401951.
Genomic context (GRCh38, chr17:31,350,315, plus strand): 5'-ATATTTCAATGGAAAATGTTCCTATGGATACATATCCCATTCATCATGGTGACCCTTCCT[A>G]TAGGTAAGTGGATTTACTCTCCTATAATTACATAATCATAATCAAGTTTCAATTTTCCAA-3'
Protein context (NP_001035957.1, residues 2475-2495): TYPIHHGDPS[Tyr2485Cys]RTLKETQPWS